The following is an entry in ClinVar:

ClinVar aggregate classification (germline): Uncertain significance (1 of 4 stars; one submission).

gnomAD v4.1: 1 of 1,613,692 alleles (0.000062%); no homozygotes.

Submission:

Labcorp Genetics (formerly Invitae), Labcorp
Classification: Uncertain significance. Last evaluated: 2025-03-24. Review status: criteria provided, single submitter. Criteria: Invitae Variant Classification Sherloc (09022015). Collection method: clinical testing. Allele origin: germline.
Comment: This sequence change replaces glutamic acid, which is acidic and polar, with valine, which is neutral and non-polar, at codon 680 of the OPA1 protein (p.Glu680Val). This variant is present in population databases (no rsID available, gnomAD 0.0009%). This variant has not been reported in the literature in individuals affected with OPA1-related conditions. Invitae Evidence Modeling of protein sequence and biophysical properties (such as structural, functional, and spatial information, amino acid conservation, physicochemical variation, residue mobility, and thermodynamic stability) indicates that this missense variant is not expected to disrupt OPA1 protein function with a negative predictive value of 80%. In summary, the available evidence is currently insufficient to determine the role of this variant in disease. Therefore, it has been classified as a Variant of Uncertain Significance.

NM_130837.3(OPA1):c.2204A>T (p.Glu735Val)

Gene: OPA1 (OPA1 mitochondrial dynamin like GTPase; plus strand). Cytogenetic location: 3q29.
Variant type: single nucleotide variant.
Coding change: c.2204A>T on transcript NM_130837.3 (MANE Select); coding-DNA position 2204, A replaced by T.
Protein change: p.Glu735Val; replaces glutamic acid 735 with valine.
Molecular consequence: missense variant.
Genome position (GRCh38, 1-based): chr3:193,657,105, A>T. VCF-style: chr3-193657105-A-T. GRCh37 (hg19) VCF-style: chr3-193374894-A-T.
Other names: c.1670A>T, p.Glu557Val (NM_001354663.2); c.1667A>T, p.Glu556Val (NM_001354664.2); c.2039A>T, p.Glu680Val (NM_015560.3); c.1931A>T, p.Glu644Val (NM_130831.3); c.1985A>T, p.Glu662Val (NM_130832.3); c.2042A>T, p.Glu681Val (NM_130833.3); c.2093A>T, p.Glu698Val (NM_130834.3); c.2096A>T, p.Glu699Val (NM_130835.3); and 1 more; short protein forms E698V, E699V, E717V, E557V, E680V, E681V, E735V, E662V.
Identifiers: ClinVar variation 3690132 (VCV003690132.2).